The following is an entry in ClinVar:

ClinVar aggregate classification (germline): Pathogenic. Review status: criteria provided, multiple submitters, no conflicts (2 of 4 stars). 2 submissions from 2 submitters: Pathogenic (2). Last evaluated 2025-07-16.

Conditions:
Osteogenesis imperfecta type III (OI3). Also called: Osteogenesis imperfecta type 3; OI type 3; Osteogenesis imperfecta, progressively deforming with normal sclerae; OI type III; Progressively Deforming Osteogenesis Imperfecta. Identifiers: Orphanet 216812, Orphanet 666, MedGen C0268362, MONDO:0009804, OMIM 259420.
Osteogenesis imperfecta, perinatal lethal (OI2). Also called: Osteogenesis imperfecta type 2; VROLIK TYPE OF OSTEOGENESIS IMPERFECTA; OSTEOGENESIS IMPERFECTA, TYPE II; Osteogenesis imperfecta, dominant perinatal lethal; OI, TYPE II; OSTEOGENESIS IMPERFECTA CONGENITA. Identifiers: Orphanet 216804, MedGen C0268358, MONDO:0008147, OMIM 166210.
Osteogenesis imperfecta with normal sclerae, dominant form (OI4). Also called: OSTEOGENESIS IMPERFECTA, TYPE IV, WITH DENTINOGENESIS IMPERFECTA; Osteogenesis imperfecta type 4; Osteogenesis Imperfecta Type IV; OSTEOGENESIS IMPERFECTA WITH NORMAL SCLERAE; Common Variable Osteogenesis Imperfecta with Normal Sclerae. Identifiers: Orphanet 216820, Orphanet 666, MedGen C0268363, MONDO:0008148, OMIM 166220.
Combined osteogenesis imperfecta and Ehlers-Danlos syndrome 2. Also called: OIEDS SYNDROME 2. Identifiers: MedGen C5436847, MONDO:0030855, OMIM 619120.
Ehlers-Danlos syndrome, cardiac valvular type. Identifiers: Orphanet 230851, MedGen C4303789, MONDO:0009159, OMIM 225320.
Ehlers-Danlos syndrome, arthrochalasia type, 2. Also called: EHLERS-DANLOS SYNDROME, TYPE VIIB, AUTOSOMAL DOMINANT. Identifiers: MedGen CN293783, MONDO:0040501, OMIM 617821.
Osteoporosis. Identifiers: MedGen C0029456, MONDO:0005298, OMIM 166710, HP:0000939.

Submissions (2):

Clinical Biomedical Laboratory, Shriners Hospital For Children - Canada
Classification: Pathogenic for Osteogenesis imperfecta with normal sclerae, dominant form. Last evaluated: 2025-07-16. Review status: criteria provided, single submitter. Criteria: ACMG Guidelines, 2015. Collection method: clinical testing. Allele origin: germline. Affected: yes.
Comment: This variant is predicted to substitute a glycine residue by a valine residue in the alpha 2 chain of collagen type I. Glycine substitutions in the triple helical domain of collagen type I cause disruption in the formation of the triple helix in the collagen molecule and are a typical cause of osteogenesis imperfecta. This variant is absent from the Genome Aggregation Database v.2.1.1, indicating it is very rare. This variant has been reported previously in the literature (PMID: 30715774). Prediction tools (REVEL: 0.98) suggest that the change is detrimental to protein function.

Fulgent Genetics
Classification: Pathogenic for Osteogenesis imperfecta, perinatal lethal; Osteogenesis imperfecta with normal sclerae, dominant form; Osteoporosis; Ehlers-Danlos syndrome, cardiac valvular type; Osteogenesis imperfecta type III; Ehlers-Danlos syndrome, arthrochalasia type, 2; Combined osteogenesis imperfecta and Ehlers-Danlos syndrome 2. Last evaluated: 2024-04-02. Review status: criteria provided, single submitter. Criteria: ACMG Guidelines, 2015. Collection method: clinical testing. Allele origin: germline.

Literature cited by the submitters: PubMed 30715774 (cited by Clinical Biomedical Laboratory, Shriners Hospital For Children - Canada).

NM_000089.4(COL1A2):c.1523G>T (p.Gly508Val)

Gene: COL1A2 (collagen type I alpha 2 chain; plus strand). Cytogenetic location: 7q21.3.
Variant type: single nucleotide variant.
Coding change: c.1523G>T on transcript NM_000089.4 (MANE Select); coding-DNA position 1523, G replaced by T.
Protein change: p.Gly508Val; replaces glycine 508 with valine.
Molecular consequence: missense variant.
Genome position (GRCh38, 1-based): chr7:94,413,102, G>T. VCF-style: chr7-94413102-G-T. GRCh37 (hg19) VCF-style: chr7-94042414-G-T.
Other names: short protein forms G508V.
Identifiers: ClinVar variation 3594954 (VCV003594954.2).